The following is an entry in ClinVar:

ClinVar aggregate classification (germline): Likely benign. Review status: criteria provided, multiple submitters, no conflicts (2 of 4 stars). 3 submissions from 3 submitters: Likely benign (2). 1 of the submissions does not count toward it. Last evaluated 2025-06-29.

Conditions:
CHD7-related disorder. Also called: CHD7-related condition.
CHARGE syndrome (CHARGE). Also called: Hittner Hirsch Kreh syndrome; CHARGE ASSOCIATION--COLOBOMA, HEART ANOMALY, CHOANAL ATRESIA, RETARDATION, GENITAL AND EAR ANOMALIES; Coloboma, heart anomaly, choanal atresia, retardation, genital and ear anomalies; CHARGE association; Hall-Hittner syndrome. Identifiers: Orphanet 138, MedGen C0265354, MONDO:0008965.

Allele frequency attached by ClinVar (database versions not stated): ExAC 0.00001; gnomAD exomes 0.00002; TOPMed 0.00002; gnomAD 0.00003; 1000 Genomes Project 30x 0.00016; 1000 Genomes Project 0.00020.
gnomAD v4.1: 32 of 1,536,620 alleles (0.0021%); highest among the groups gnomAD compares: South Asian, 0.02%; no homozygotes.

Submissions (3):

Labcorp Genetics (formerly Invitae), Labcorp
Classification: Likely benign for CHARGE syndrome. Last evaluated: 2025-06-29. Review status: criteria provided, single submitter. Criteria: Invitae Variant Classification Sherloc (09022015). Collection method: clinical testing. Allele origin: germline.

Blueprint Genetics
Classification: Likely benign. Last evaluated: 2022-07-13. Review status: criteria provided, single submitter. Criteria: ACMG Guidelines, 2015. Collection method: clinical testing. Allele origin: germline.

PreventionGenetics, part of Exact Sciences
Classification: Likely benign for CHD7-related condition. Last evaluated: 2022-02-24. Review status: no assertion criteria provided. Collection method: clinical testing. Allele origin: germline. Not counted in ClinVar's aggregate classification.
Comment: This variant is classified as likely benign based on ACMG/AMP sequence variant interpretation guidelines (Richards et al. 2015 PMID: 25741868, with internal and published modifications).

NM_017780.4(CHD7):c.6669C>T (p.Val2223=)

Gene: CHD7 (chromodomain helicase DNA binding protein 7; plus strand). Cytogenetic location: 8q12.2.
Variant type: single nucleotide variant.
Coding change: c.6669C>T on transcript NM_017780.4 (MANE Select); coding-DNA position 6669, C replaced by T.
Protein change: p.Val2223=; no amino-acid change (valine 2223 retained).
Molecular consequence: synonymous variant. On other transcripts: intron variant (1).
Genome position (GRCh38, 1-based): chr8:60,853,394, C>T. VCF-style: chr8-60853394-C-T. GRCh37 (hg19) VCF-style: chr8-61765953-C-T.
Other names: c.1717-8835C>T (NM_001316690.1).
Identifiers: ClinVar variation 459560 (VCV000459560.12), dbSNP rs556577614, ClinGen allele CA4760628.